The following is an entry in ClinVar:

NM_000051.4(ATM):c.4436+9C>T

Gene: ATM (ATM serine/threonine kinase; plus strand). Cytogenetic location: 11q22.3.
Variant type: single nucleotide variant.
Coding change: c.4436+9C>T on transcript NM_000051.4 (MANE Select); 9 bases into the intron after coding-DNA position 4436, C replaced by T.
Molecular consequence: intron variant.
Genome position (GRCh38, 1-based): chr11:108,289,810, C>T. VCF-style: chr11-108289810-C-T. GRCh37 (hg19) VCF-style: chr11-108160537-C-T.
Other names: c.4436+9C>T (NM_001351834.2).
Identifiers: ClinVar variation 627730 (VCV000627730.13), dbSNP rs1565457090, ClinGen allele CA913188374.

ClinVar aggregate classification (germline): Likely benign. Review status: criteria provided, multiple submitters, no conflicts (2 of 4 stars). 3 submissions from 3 submitters: Likely benign (3). Last evaluated 2025-04-22.

Conditions:
Hereditary cancer-predisposing syndrome. Also called: Tumor predisposition; Neoplastic Syndromes, Hereditary; Hereditary Cancer Syndrome; Hereditary neoplastic syndrome. Identifiers: Orphanet 140162, MedGen C0027672, MeSH D009386, MONDO:0015356.
Familial cancer of breast. Also called: BREAST CANCER, FAMILIAL; Hereditary breast cancer; hereditary breast carcinoma. Identifiers: Orphanet 227535, MedGen C0346153, MONDO:0016419, OMIM 114480. Disease mechanism: loss of function.
Ataxia-telangiectasia syndrome (AT). Also called: ATAXIA-TELANGIECTASIA, COMPLEMENTATION GROUP A; ATAXIA-TELANGIECTASIA, FRESNO VARIANT; LOUIS-BAR SYNDROME; Ataxia telangiectasia (A-T); Cerebello-oculocutaneous telangiectasia; Immunodeficiency with ataxia telangiectasia. Identifiers: Orphanet 100, MedGen C0004135, MONDO:0008840, OMIM 208900.

Allele frequency attached by ClinVar (database versions not stated): gnomAD exomes below 0.00001; TOPMed below 0.00001.
gnomAD v4.1: 1 of 1,605,838 alleles (0.000062%); highest among the groups gnomAD compares: Non-Finnish European, 0.000085%; no homozygotes.

Submissions (3):

Labcorp Genetics (formerly Invitae), Labcorp
Classification: Likely benign for Ataxia-telangiectasia syndrome. Last evaluated: 2025-04-22. Review status: criteria provided, single submitter. Criteria: Invitae Variant Classification Sherloc (09022015). Collection method: clinical testing. Allele origin: germline.

Myriad Genetics, Inc.
Classification: Likely benign for Familial cancer of breast. Last evaluated: 2024-05-17. Review status: criteria provided, single submitter. Criteria: Myriad Autosomal Dominant, Autosomal Recessive and X-Linked Classification Criteria (2023). Collection method: clinical testing. Allele origin: unknown.
Comment: This variant is considered likely benign. This variant is intronic and is not expected to impact mRNA splicing.

Color Diagnostics, LLC DBA Color Health
Classification: Likely benign for Hereditary cancer-predisposing syndrome. Last evaluated: 2018-07-23. Review status: criteria provided, single submitter. Criteria: ACMG Guidelines, 2015. Collection method: clinical testing. Allele origin: germline.